The following is an entry in ClinVar:

ClinVar aggregate classification (germline): Uncertain significance (1 of 4 stars; one submission).

Submission:

Women's Health and Genetics/Laboratory Corporation of America, LabCorp
Classification: Uncertain significance. Last evaluated: 2025-02-21. Review status: criteria provided, single submitter. Criteria: LabCorp Variant Classification Summary - May 2015. Collection method: clinical testing. Allele origin: germline.
Comment: Variant summary: CYP27B1 c.242G>A (p.Gly81Glu) results in a non-conservative amino acid change located in the Cytochrome P450 domain (IPR001128) of the encoded protein sequence. Five of five in-silico tools predict a damaging effect of the variant on protein function. The variant was absent in 143164 control chromosomes. The available data on variant occurrences in the general population are insufficient to allow any conclusion about variant significance. c.242G>A has been reported in the literature in at least one individual affected with Vitamin D-dependent rickets (Giannakopoulos_2017). These data do not allow any conclusion about variant significance. To our knowledge, no experimental evidence demonstrating an impact on protein function has been reported. The following publication have been ascertained in the context of this evaluation (PMID: 27287609). No submitters have cited clinical-significance assessments for this variant to ClinVar. Based on the evidence outlined above, the variant was classified as uncertain significance.

Literature cited by the submitters: PubMed 27287609.

NM_000785.4(CYP27B1):c.242G>A (p.Gly81Glu)

Gene: CYP27B1 (cytochrome P450 family 27 subfamily B member 1; minus strand). Cytogenetic location: 12q14.1.
Variant type: single nucleotide variant.
Coding change: c.242G>A on transcript NM_000785.4 (MANE Select); coding-DNA position 242, G replaced by A.
Protein change: p.Gly81Glu; replaces glycine 81 with glutamic acid.
Molecular consequence: missense variant.
Genome position (GRCh38, 1-based): chr12:57,766,151, C>T on the plus strand (G>A on the coding strand, the complement: CYP27B1 is on the minus strand). VCF-style: chr12-57766151-C-T. GRCh37 (hg19) VCF-style: chr12-58159934-C-T.
Other names: short protein forms G81E.
Identifiers: ClinVar variation 3768893 (VCV003768893.1).
Genomic context (GRCh38, chr12:57,766,151, plus strand): 5'-TCCTGTCGCAGCAGCTCCTCGACGAGTGCAGGGGCAGCCACGTACACGGTGCGCACTGTC[C>T]CAAAGCTGGCTAGCCACACCGGCCCGAAGTGCGCGGCGCCCTGCACCTGGGGGAGCGGAC-3'
Protein context (NP_000776.1, residues 71-91): HFGPVWLASF[Gly81Glu]TVRTVYVAAP